The following is an entry in ClinVar:

ClinVar aggregate classification (germline): Uncertain significance (1 of 4 stars; one submission).

Allele frequency attached by ClinVar (database versions not stated): gnomAD exomes below 0.00001; gnomAD 0.00001.

Submission:

Labcorp Genetics (formerly Invitae), Labcorp
Classification: Uncertain significance. Last evaluated: 2023-05-19. Review status: criteria provided, single submitter. Criteria: Invitae Variant Classification Sherloc (09022015). Collection method: clinical testing. Allele origin: germline.
Comment: In summary, the available evidence is currently insufficient to determine the role of this variant in disease. Therefore, it has been classified as a Variant of Uncertain Significance. An algorithm developed to predict the effect of missense changes on protein structure and function (PolyPhen-2) suggests that this variant is likely to be disruptive. This variant has not been reported in the literature in individuals affected with SNRPB-related conditions. This variant is not present in population databases (gnomAD no frequency). This sequence change replaces valine, which is neutral and non-polar, with alanine, which is neutral and non-polar, at codon 82 of the SNRPB protein (p.Val82Ala).

NM_003091.4(SNRPB):c.245T>C (p.Val82Ala)

Gene: SNRPB (small nuclear ribonucleoprotein polypeptides B and B1; minus strand). Cytogenetic location: 20p13.
Variant type: single nucleotide variant.
Coding change: c.245T>C on transcript NM_003091.4 (MANE Select); coding-DNA position 245, T replaced by C.
Protein change: p.Val82Ala; replaces valine 82 with alanine.
Molecular consequence: missense variant.
Genome position (GRCh38, 1-based): chr20:2,465,730, A>G on the plus strand (T>C on the coding strand, the complement: SNRPB is on the minus strand). VCF-style: chr20-2465730-A-G. GRCh37 (hg19) VCF-style: chr20-2446376-A-G.
Other names: c.245T>C, p.Val82Ala (NM_198216.2); short protein forms V82A.
Identifiers: ClinVar variation 2999921 (VCV002999921.3), dbSNP rs2085068829, ClinGen allele CA408014706.
Genomic context (GRCh38, chr20:2,465,730, plus strand): 5'-GCCTCCCCTCCTCCACAAGGCTTCCTGCTCTGACTTACATCTTTGGGAGGAGGTCCCTCT[A>G]CTGTCATTGAGACCAGATTCTCCCCTCGCAGCAGCACCAGACCGAGGACTCGCTTCTCTT-3'
Protein context (NP_003082.1, residues 72-92): LRGENLVSMT[Val82Ala]EGPPPKDTGI